The following is an entry in ClinVar:

ClinVar aggregate classification (germline): Uncertain significance (1 of 4 stars; one submission).

Submission:

GeneDx
Classification: Uncertain significance. Last evaluated: 2024-11-03. Review status: criteria provided, single submitter. Criteria: GeneDx Variant Classification Process June 2021. Collection method: clinical testing. Allele origin: germline. Affected: yes.
Comment: Not observed at significant frequency in large population cohorts (gnomAD); In silico analysis supports that this missense variant has a deleterious effect on protein structure/function; Has not been previously published as pathogenic or benign to our knowledge

NM_001357.5(DHX9):c.2404G>A (p.Ala802Thr)

Gene: DHX9 (DExH-box helicase 9; plus strand). Cytogenetic location: 1q25.3.
Variant type: single nucleotide variant.
Coding change: c.2404G>A on transcript NM_001357.5 (MANE Select); coding-DNA position 2404, G replaced by A.
Protein change: p.Ala802Thr; replaces alanine 802 with threonine.
Molecular consequence: missense variant. On other transcripts: non-coding transcript variant (1).
Genome position (GRCh38, 1-based): chr1:182,879,302, G>A. VCF-style: chr1-182879302-G-A. GRCh37 (hg19) VCF-style: chr1-182848437-G-A.
Other names: short protein forms A802T.
Identifiers: ClinVar variation 3897329 (VCV003897329.1).